The following is an entry in ClinVar:

NC_000011.10:g.(?_2583425)_(2583555_?)del

Gene: KCNQ1 (potassium voltage-gated channel subfamily Q member 1; plus strand). Cytogenetic location: 11p15.5.
Variant type: Deletion.
Identifiers: ClinVar variation 831449 (VCV000831449.1).

ClinVar aggregate classification (germline): Pathogenic (1 of 4 stars; one submission).

Conditions:
Long QT syndrome (LQTS). Identifiers: MedGen C0023976, MeSH D008133, MONDO:0002442. Disease mechanism: loss of function. Inheritance: Various modes of inheritance.

Submission:

Labcorp Genetics (formerly Invitae), Labcorp
Classification: Pathogenic for Long QT syndrome. Last evaluated: 2019-05-28. Review status: criteria provided, single submitter. Criteria: Invitae Variant Classification Sherloc (09022015). Collection method: clinical testing. Allele origin: germline.
Comment: This variant is an in-frame deletion of the genomic region encompassing exon 7 of the KCNQ1 gene. It preserves the integrity of the reading frame. This variant has been observed to segregate with long QT syndrome in a family (PMID: 25889101). This variant has been reported to affect KCNQ1 protein function (PMID: 25889101). For these reasons, this variant has been classified as Pathogenic.

Literature cited by the submitters: PubMed 25889101.